The following is an entry in ClinVar:

ClinVar aggregate classification (germline): Uncertain significance (1 of 4 stars; one submission).

Conditions:
Neuronal ceroid lipofuscinosis. Also called: Neuronal Ceroid Lipofuscinoses. Identifiers: Orphanet 216, Orphanet 79263, MedGen C0027877, MONDO:0016295. Disease mechanism: loss of function.

Submission:

Labcorp Genetics (formerly Invitae), Labcorp
Classification: Uncertain significance for Neuronal ceroid lipofuscinosis. Last evaluated: 2024-10-07. Review status: criteria provided, single submitter. Criteria: Invitae Variant Classification Sherloc (09022015). Collection method: clinical testing. Allele origin: germline.
Comment: This sequence change replaces lysine, which is basic and polar, with threonine, which is neutral and polar, at codon 284 of the CLN8 protein (p.Lys284Thr). This variant is not present in population databases (gnomAD no frequency). This variant has not been reported in the literature in individuals affected with CLN8-related conditions. ClinVar contains an entry for this variant (Variation ID: 1509478). Invitae Evidence Modeling of protein sequence and biophysical properties (such as structural, functional, and spatial information, amino acid conservation, physicochemical variation, residue mobility, and thermodynamic stability) has been performed for this missense variant. However, the output from this modeling did not meet the statistical confidence thresholds required to predict the impact of this variant on CLN8 protein function. In summary, the available evidence is currently insufficient to determine the role of this variant in disease. Therefore, it has been classified as a Variant of Uncertain Significance.

NM_018941.4(CLN8):c.851A>C (p.Lys284Thr)

Gene: CLN8 (CLN8 transmembrane ER and ERGIC protein; plus strand). Cytogenetic location: 8p23.3.
Variant type: single nucleotide variant.
Coding change: c.851A>C on transcript NM_018941.4 (MANE Select); coding-DNA position 851, A replaced by C.
Protein change: p.Lys284Thr; replaces lysine 284 with threonine.
Molecular consequence: missense variant.
Genome position (GRCh38, 1-based): chr8:1,780,557, A>C. VCF-style: chr8-1780557-A-C. GRCh37 (hg19) VCF-style: chr8-1728723-A-C.
Other names: short protein forms K284T.
Identifiers: ClinVar variation 1509478 (VCV001509478.6), dbSNP rs2129015342, ClinGen allele CA369954457.